The following is an entry in ClinVar:

NM_001385641.1(SAMD11):c.1454C>T (p.Ser485Leu)

Gene: SAMD11 (sterile alpha motif domain containing 11; plus strand). Cytogenetic location: 1p36.33.
Variant type: single nucleotide variant.
Coding change: c.1454C>T on transcript NM_001385641.1 (MANE Select); coding-DNA position 1454, C replaced by T.
Protein change: p.Ser485Leu; replaces serine 485 with leucine.
Molecular consequence: missense variant.
Genome position (GRCh38, 1-based): chr1:942,231, C>T. VCF-style: chr1-942231-C-T. GRCh37 (hg19) VCF-style: chr1-877611-C-T.
Other names: c.1457C>T, p.Ser486Leu (NM_001385640.1); c.965C>T, p.Ser322Leu (NM_152486.4); short protein forms S322L, S485L, S486L.
Identifiers: ClinVar variation 960074 (VCV000960074.7), dbSNP rs1005042443, ClinGen allele CA16724099.

ClinVar aggregate classification (germline): Uncertain significance (1 of 4 stars; one submission).

Allele frequency attached by ClinVar (database versions not stated): gnomAD exomes 0.00002; TOPMed 0.00002; gnomAD 0.00003.
gnomAD v4.1: 33 of 1,340,472 alleles (0.0025%); highest among the groups gnomAD compares: African/African-American, 0.0046%; no homozygotes.

Submission:

Labcorp Genetics (formerly Invitae), Labcorp
Classification: Uncertain significance. Last evaluated: 2021-08-28. Review status: criteria provided, single submitter. Criteria: Invitae Variant Classification Sherloc (09022015). Collection method: clinical testing. Allele origin: germline.
Comment: This sequence change replaces serine with leucine at codon 322 of the SAMD11 protein (p.Ser322Leu). The serine residue is moderately conserved and there is a large physicochemical difference between serine and leucine. The frequency data for this variant in the population databases is considered unreliable, as metrics indicate insufficient coverage at this position in the ExAC database. This variant has not been reported in the literature in individuals affected with SAMD11-related conditions. Algorithms developed to predict the effect of missense changes on protein structure and function are either unavailable or do not agree on the potential impact of this missense change (SIFT: "Deleterious"; PolyPhen-2: "Possibly Damaging"; Align-GVGD: "Class C0"). In summary, the available evidence is currently insufficient to determine the role of this variant in disease. Therefore, it has been classified as a Variant of Uncertain Significance.